The following is an entry in ClinVar:

ClinVar aggregate classification (germline): Uncertain significance (1 of 4 stars; one submission).

Conditions:
Joubert syndrome 18 (JBTS18). Identifiers: Orphanet 2754, MedGen C3553758, MONDO:0013896, OMIM 614815.
Orofacial-digital syndrome IV (OFD4). Also called: Orofaciodigital syndrome IV; BARAITSER-BURN SYNDROME; MOHR-MAJEWSKI SYNDROME; OFD SYNDROME WITH TIBIAL DEFECTS; OFD SYNDROME, BARAITSER-BURN TYPE; OFDS IV. Identifiers: Orphanet 2753, MedGen C0406727, MONDO:0009794, OMIM 258860.

Submission:

Labcorp Genetics (formerly Invitae), Labcorp
Classification: Uncertain significance for Joubert syndrome 18; Orofacial-digital syndrome IV. Last evaluated: 2023-12-11. Review status: criteria provided, single submitter. Criteria: Invitae Variant Classification Sherloc (09022015). Collection method: clinical testing. Allele origin: germline.
Comment: This sequence change replaces aspartic acid, which is acidic and polar, with valine, which is neutral and non-polar, at codon 82 of the TCTN3 protein (p.Asp82Val). This variant is not present in population databases (gnomAD no frequency). This variant has not been reported in the literature in individuals affected with TCTN3-related conditions. ClinVar contains an entry for this variant (Variation ID: 1441786). Advanced modeling of protein sequence and biophysical properties (such as structural, functional, and spatial information, amino acid conservation, physicochemical variation, residue mobility, and thermodynamic stability) performed at Invitae indicates that this missense variant is not expected to disrupt TCTN3 protein function with a negative predictive value of 80%. In summary, the available evidence is currently insufficient to determine the role of this variant in disease. Therefore, it has been classified as a Variant of Uncertain Significance.

NM_015631.6(TCTN3):c.245A>T (p.Asp82Val)

Genes: TCTN3 (tectonic family member 3; minus strand), LOC130004408 (ATAC-STARR-seq lymphoblastoid active region 3801; plus strand). Cytogenetic location: 10q24.1.
Variant type: single nucleotide variant.
Coding change: c.245A>T on transcript NM_015631.6 (MANE Select); coding-DNA position 245, A replaced by T.
Protein change: p.Asp82Val; replaces aspartic acid 82 with valine.
Molecular consequence: missense variant.
Genome position (GRCh38, 1-based): chr10:95,693,655, T>A on the plus strand (A>T on the coding strand, the complement: TCTN3 is on the minus strand). VCF-style: chr10-95693655-T-A. GRCh37 (hg19) VCF-style: chr10-97453412-T-A.
Other names: c.245A>T, p.Asp82Val (NM_001143973.2); short protein forms D82V.
Identifiers: ClinVar variation 1441786 (VCV001441786.10), dbSNP rs2139768503, ClinGen allele CA377713085.
Genomic context (GRCh38, chr10:95,693,655, plus strand): 5'-ATTTTAGATCTCAGAAGTAAGTTTCCACCCCCACAACGTTTTCCCTCACCTGGGAAGAGG[T>A]CCACAGTCCTATTCCCAGGGGCCGAGGGAGTCACGAGAGTAGGGACCACTGTAGGGAGTC-3'
Protein context (NP_056446.4, residues 72-92): TPSAPGNRTV[Asp82Val]LFPVLPICVC